The following is an entry in ClinVar:

ClinVar aggregate classification (germline): Conflicting classifications of pathogenicity. Review status: criteria provided, conflicting classifications (1 of 4 stars). 6 submissions from 6 submitters: Pathogenic (1); Likely pathogenic (2); Uncertain significance (3). Last evaluated 2024-05-29.

Conditions:
RYR1-related disorder. Also called: RYR1-related disorders; RYR1-related condition. Identifiers: MedGen CN239331.
Congenital multicore myopathy with external ophthalmoplegia (CMYO1B). Also called: MULTIMINICORE DISEASE WITH EXTERNAL OPHTHALMOPLEGIA; Congenital myopathy 1B, autosomal recessive; Minicore myopathy; Minicore myopathy with external ophthalmoplegia; MULTICORE MYOPATHY. Identifiers: Orphanet 598, Orphanet 98905, MedGen C1850674, MONDO:0009712, OMIM 255320, HP:0003789.
Malignant hyperthermia, susceptibility to, 1 (MHS1). Also called: Anesthesia related hyperthermia; Malignant hyperpyrexia; Fulminating hyperpyrexia; Pharmacogenic myopathy; RYR1-Related Malignant Hyperthermia Susceptibility; Malignant hyperthermia suceptibility 1. Identifiers: Orphanet 423, MedGen C2930980, MONDO:0007783, OMIM 145600.
Central core myopathy (CMYO1A). Also called: CONGENITAL MYOPATHY 1A, AUTOSOMAL DOMINANT, WITH SUSCEPTIBILITY TO MALIGNANT HYPERTHERMIA; Central core disease; Myopathy, central fibrillar. Identifiers: Orphanet 597, MedGen C5830701, MONDO:0007294, OMIM 117000.
King Denborough syndrome (KDS). Identifiers: MedGen C1840365, MONDO:0020485, OMIM 619542.

Allele frequency attached by ClinVar (database versions not stated): gnomAD exomes below 0.00001 and 0.00001.
gnomAD v4.1: 13 of 1,614,048 alleles (0.00081%); highest among the groups gnomAD compares: African/African-American, 0.0027%; no homozygotes.

Submissions (6):

Fulgent Genetics
Classification: Likely pathogenic for Central core myopathy; Malignant hyperthermia, susceptibility to, 1; Congenital multicore myopathy with external ophthalmoplegia; King Denborough syndrome. Last evaluated: 2024-05-29. Review status: criteria provided, single submitter. Criteria: ACMG Guidelines, 2015. Collection method: clinical testing. Allele origin: germline.

All of Us Research Program, National Institutes of Health
Classification: Uncertain significance for Malignant hyperthermia, susceptibility to, 1. Last evaluated: 2024-02-22. Review status: criteria provided, single submitter. Criteria: ACMG Guidelines, 2015. Collection method: clinical testing. Allele origin: germline. Inheritance: Autosomal dominant inheritance. Observed: 1 variant allele, 1 heterozygote.
Comment: This missense variant replaces alanine with threonine at codon 400 of the RYR1 protein. Computational prediction suggests that this variant may have deleterious impact on protein structure and function (internally defined REVEL score threshold >= 0.7, PMID: 27666373). To our knowledge, functional studies have not been reported for this variant. This variant has not been reported in individuals affected with autosomal dominant malignant hyperthermia in the literature, although it is associated with other phenotype(s) (ClinVar variation ID: 590393). This variant has been identified in 1/251420 chromosomes in the general population by the Genome Aggregation Database (gnomAD). Due to insufficient evidence, this variant is classified as a Variant of Uncertain Significance for autosomal dominant malignant hyperthermia.

This study involves interpretation of variants in research participants for the purpose of population health screening. Participant phenotype was not available at the time of variant classification. Additional details can be found in publication PMID: 35346344, PMCID: PMC8962531

Color Diagnostics, LLC DBA Color Health
Classification: Uncertain significance for Malignant hyperthermia, susceptibility to, 1. Last evaluated: 2024-02-02. Review status: criteria provided, single submitter. Criteria: ACMG Guidelines, 2015. Collection method: clinical testing. Allele origin: germline.
Comment: This missense variant replaces alanine with threonine at codon 400 of the RYR1 protein. Computational prediction suggests that this variant may have deleterious impact on protein structure and function. To our knowledge, functional studies have not been reported for this variant. This variant has not been reported in individuals affected with autosomal dominant malignant hyperthermia in the literature, although it is associated with other phenotype(s) (ClinVar variation ID: 590393). This variant has been identified in 1/251420 chromosomes in the general population by the Genome Aggregation Database (gnomAD). Due to insufficient evidence, this variant is classified as a Variant of Uncertain Significance for autosomal dominant malignant hyperthermia.

Labcorp Genetics (formerly Invitae), Labcorp
Classification: Pathogenic for RYR1-related disorder. Last evaluated: 2024-01-31. Review status: criteria provided, single submitter. Criteria: Invitae Variant Classification Sherloc (09022015). Collection method: clinical testing. Allele origin: germline.
Comment: This sequence change replaces alanine, which is neutral and non-polar, with threonine, which is neutral and polar, at codon 400 of the RYR1 protein (p.Ala400Thr). This variant is present in population databases (rs777016690, gnomAD 0.003%). This missense change has been observed in individual(s) with clinical features of autosomal recessive RYR1-related myopathy and/or myopathy (PMID: 1069529; Invitae). In at least one individual the data is consistent with being in trans (on the opposite chromosome) from a pathogenic variant. ClinVar contains an entry for this variant (Variation ID: 590393). Advanced modeling of protein sequence and biophysical properties (such as structural, functional, and spatial information, amino acid conservation, physicochemical variation, residue mobility, and thermodynamic stability) has been performed at Invitae for this missense variant, however the output from this modeling did not meet the statistical confidence thresholds required to predict the impact of this variant on RYR1 protein function. For these reasons, this variant has been classified as Pathogenic.

GeneDx
Classification: Likely pathogenic. Last evaluated: 2023-01-17. Review status: criteria provided, single submitter. Criteria: GeneDx Variant Classification Process June 2021. Collection method: clinical testing. Allele origin: germline. Affected: yes.
Comment: Not observed at significant frequency in large population cohorts (gnomAD); In silico analysis supports that this missense variant has a deleterious effect on protein structure/function; Identified in a patient with myopathy in published literature (PMID: 31069529); This variant is associated with the following publications: (PMID: 31069529)

PreventionGenetics, part of Exact Sciences
Classification: Uncertain significance. Last evaluated: 2016-07-18. Review status: criteria provided, single submitter. Criteria: ACMG Guidelines, 2015. Collection method: clinical testing. Allele origin: germline.

Literature cited by the submitters: PubMed 1069529 (cited by Labcorp Genetics (formerly Invitae), Labcorp).

NM_000540.3(RYR1):c.1198G>A (p.Ala400Thr)

Gene: RYR1 (ryanodine receptor 1; plus strand). Cytogenetic location: 19q13.2.
Variant type: single nucleotide variant.
Coding change: c.1198G>A on transcript NM_000540.3 (MANE Select); coding-DNA position 1198, G replaced by A.
Protein change: p.Ala400Thr; replaces alanine 400 with threonine.
Molecular consequence: missense variant.
Genome position (GRCh38, 1-based): chr19:38,451,839, G>A. VCF-style: chr19-38451839-G-A. GRCh37 (hg19) VCF-style: chr19-38942479-G-A.
Other names: c.1198G>A, p.Ala400Thr (NM_001042723.2); short protein forms A400T.
Identifiers: ClinVar variation 590393 (VCV000590393.18), dbSNP rs777016690, ClinGen allele CA308119861.